The following is an entry in ClinVar:

NM_017763.6(RNF43):c.1103G>A (p.Arg368Gln)

Gene: RNF43 (ring finger protein 43; minus strand). Cytogenetic location: 17q22.
Variant type: single nucleotide variant.
Coding change: c.1103G>A on transcript NM_017763.6 (MANE Select); coding-DNA position 1103, G replaced by A.
Protein change: p.Arg368Gln; replaces arginine 368 with glutamine.
Molecular consequence: missense variant.
Genome position (GRCh38, 1-based): chr17:58,358,673, C>T on the plus strand (G>A on the coding strand, the complement: RNF43 is on the minus strand). VCF-style: chr17-58358673-C-T. GRCh37 (hg19) VCF-style: chr17-56436034-C-T.
Other names: c.1103G>A (NM_017763.4); c.1103G>A, p.Arg368Gln (NM_001305544.3); c.722G>A, p.Arg241Gln (NM_001305545.2); short protein forms R368Q, R241Q.
Identifiers: ClinVar variation 2070436 (VCV002070436.9), dbSNP rs775363695, ClinGen allele CA8673233.
Genomic context (GRCh38, chr17:58,358,673, plus strand): 5'-TGATGCCGAGGGCCCATGCCTGGCTCCTGGGATGGCAGGAAGGGACCAGGTCGTGGGGGC[C>T]GAGCCACTGCACTCCGGGAAGGGCCCAACAGGTAGGCAGCAGGGAGGTGGTAGTGGGCAT-3'
Protein context (NP_060233.3, residues 358-378): LLGPSRSAVA[Arg368Gln]PPRPGPFLPS

ClinVar aggregate classification (germline): Uncertain significance. Review status: criteria provided, multiple submitters, no conflicts (2 of 4 stars). 5 submissions from 5 submitters: Uncertain significance (5). Last evaluated 2025-08-01.

Conditions:
Sessile serrated polyposis cancer syndrome (SSPCS). Identifiers: Orphanet 157798, MedGen C4310714, MONDO:0014919, OMIM 617108.

Allele frequency attached by ClinVar (database versions not stated): TOPMed 0.00001; gnomAD exomes 0.00001.

Submissions (5):

Ambry Genetics
Classification: Uncertain significance. Last evaluated: 2025-08-01. Review status: criteria provided, single submitter. Criteria: Ambry Variant Classification Scheme 2023. Collection method: clinical testing. Allele origin: germline.

Center for Genomic Medicine, Rigshospitalet, Copenhagen University Hospital
Classification: Uncertain significance. Last evaluated: 2025-03-04. Review status: criteria provided, single submitter. Criteria: ACMG Guidelines, 2015. Collection method: clinical testing. Allele origin: germline.

GeneDx
Classification: Uncertain significance. Last evaluated: 2023-04-19. Review status: criteria provided, single submitter. Criteria: GeneDx Variant Classification Process June 2021. Collection method: clinical testing. Allele origin: germline. Affected: yes.
Comment: Not observed at significant frequency in large population cohorts (gnomAD); In silico analysis supports that this missense variant does not alter protein structure/function; Has not been previously published as pathogenic or benign to our knowledge; Variants in candidate genes are classified as variants of uncertain significance in accordance with ACMG guidelines (Richards et al., 2015)

Labcorp Genetics (formerly Invitae), Labcorp
Classification: Uncertain significance. Last evaluated: 2022-06-19. Review status: criteria provided, single submitter. Criteria: Invitae Variant Classification Sherloc (09022015). Collection method: clinical testing. Allele origin: germline.
Comment: This variant has not been reported in the literature in individuals affected with RNF43-related conditions. In summary, the available evidence is currently insufficient to determine the role of this variant in disease. Therefore, it has been classified as a Variant of Uncertain Significance. Algorithms developed to predict the effect of missense changes on protein structure and function output the following: SIFT: "Tolerated"; PolyPhen-2: "Benign"; Align-GVGD: "Class C0". The glutamine amino acid residue is found in multiple mammalian species, which suggests that this missense change does not adversely affect protein function. The frequency data for this variant in the population databases is considered unreliable, as metrics indicate poor data quality at this position in the gnomAD database. This sequence change replaces arginine, which is basic and polar, with glutamine, which is neutral and polar, at codon 368 of the RNF43 protein (p.Arg368Gln).

Baylor Genetics
Classification: Uncertain significance for Sessile serrated polyposis cancer syndrome. Last evaluated: 2020-12-06. Review status: criteria provided, single submitter. Criteria: ACMG Guidelines, 2015. Collection method: clinical testing. Allele origin: unknown.